The following is an entry in ClinVar:

ClinVar aggregate classification (germline): Uncertain significance. Review status: criteria provided, multiple submitters, no conflicts (2 of 4 stars). 5 submissions from 5 submitters: Uncertain significance (3). 2 of the submissions do not count toward it. Last evaluated 2026-06-10.

Conditions:
Inborn genetic diseases. Identifiers: MedGen C0950123, MeSH D030342.
Retinal dystrophy. Also called: Inherited retinal dystrophy. Identifiers: Orphanet 71862, MedGen C0854723, MeSH D058499, MONDO:0019118, HP:0000556.
Stargardt disease 3. Also called: MACULAR DYSTROPHY WITH FLECKS, TYPE 3; STARGARDT-LIKE MACULAR DYSTROPHY, AUTOSOMAL DOMINANT. Identifiers: Orphanet 827, MedGen C1838644, MONDO:0010819, OMIM 600110.

Allele frequency attached by ClinVar (database versions not stated): ExAC 0.00004; gnomAD 0.00004 and 0.00005; gnomAD exomes 0.00004 and 0.00006; TOPMed 0.00006; ESP Exome Variant Server 0.00008.

Submissions (5):

Ambry Genetics
Classification: Uncertain significance for Inborn genetic diseases. Last evaluated: 2026-06-10. Review status: criteria provided, single submitter. Criteria: Ambry Variant Classification Scheme 2023. Collection method: clinical testing. Allele origin: germline.
Comment: The c.2267C>T (p.S756F) alteration is located in exon 15 (coding exon 15) of the ABCA4 gene. This alteration results from a C to T substitution at nucleotide position 2267, causing the serine (S) at amino acid position 756 to be replaced by a phenylalanine (F). Based on data from gnomAD, the T allele has an overall frequency of 0.006% (17/282168) total alleles studied. The highest observed frequency was 0.034% (12/35362) of Latino alleles. Based on insufficient or conflicting evidence, the clinical significance of this alteration remains unclear.

Blueprint Genetics
Classification: Uncertain significance. Last evaluated: 2024-09-09. Review status: criteria provided, single submitter. Criteria: ACMG Guidelines, 2015. Collection method: clinical testing. Allele origin: germline.

Labcorp Genetics (formerly Invitae), Labcorp
Classification: Uncertain significance. Last evaluated: 2022-10-05. Review status: criteria provided, single submitter. Criteria: Invitae Variant Classification Sherloc (09022015). Collection method: clinical testing. Allele origin: germline.
Comment: This sequence change replaces serine, which is neutral and polar, with phenylalanine, which is neutral and non-polar, at codon 756 of the ABCA4 protein (p.Ser756Phe). This variant is present in population databases (rs372508062, gnomAD 0.03%). This missense change has been observed in individual(s) with clinical features of Stargardt disease (Invitae). ClinVar contains an entry for this variant (Variation ID: 858235). Advanced modeling of protein sequence and biophysical properties (such as structural, functional, and spatial information, amino acid conservation, physicochemical variation, residue mobility, and thermodynamic stability) performed at Invitae indicates that this missense variant is expected to disrupt ABCA4 protein function. In summary, the available evidence is currently insufficient to determine the role of this variant in disease. Therefore, it has been classified as a Variant of Uncertain Significance.

Institute of Human Genetics, Univ. Regensburg, Univ. Regensburg
Classification: Likely pathogenic for Retinal dystrophy. Last evaluated: 2018-01-01. Review status: no assertion criteria provided. Criteria: ACMG Guidelines, 2015. Collection method: clinical testing. Allele origin: germline. Affected: yes. Not counted in ClinVar's aggregate classification.

Ophthalmo-Genetics Lab, Instituto de Oftalmologia Conde de Valenciana
Classification: Likely pathogenic for Stargardt disease 3. Review status: no assertion criteria provided. Collection method: research. Allele origin: germline. Inheritance: Autosomal recessive inheritance. Affected: yes. Not counted in ClinVar's aggregate classification.

Literature cited by the submitters: PubMed 24585425 (cited by Ophthalmo-Genetics Lab, Instituto de Oftalmologia Conde de Valenciana).

NM_000350.3(ABCA4):c.2267C>T (p.Ser756Phe)

Gene: ABCA4 (ATP binding cassette subfamily A member 4; minus strand). Cytogenetic location: 1p22.1.
Variant type: single nucleotide variant.
Coding change: c.2267C>T on transcript NM_000350.3 (MANE Select); coding-DNA position 2267, C replaced by T.
Protein change: p.Ser756Phe; replaces serine 756 with phenylalanine.
Molecular consequence: missense variant.
Genome position (GRCh38, 1-based): chr1:94,056,716, G>A on the plus strand (C>T on the coding strand, the complement: ABCA4 is on the minus strand). VCF-style: chr1-94056716-G-A. GRCh37 (hg19) VCF-style: chr1-94522272-G-A.
Other names: short protein forms S756F.
Identifiers: ClinVar variation 858235 (VCV000858235.10), dbSNP rs372508062, ClinGen allele CA958313.